The following is an entry in ClinVar:

NM_000384.3(APOB):c.10447T>A (p.Leu3483Met)

Gene: APOB (apolipoprotein B; minus strand). Cytogenetic location: 2p24.1.
Variant type: single nucleotide variant.
Coding change: c.10447T>A on transcript NM_000384.3 (MANE Select); coding-DNA position 10447, T replaced by A.
Protein change: p.Leu3483Met; replaces leucine 3483 with methionine.
Molecular consequence: missense variant.
Genome position (GRCh38, 1-based): chr2:21,006,421, A>T on the plus strand (T>A on the coding strand, the complement: APOB is on the minus strand). VCF-style: chr2-21006421-A-T. GRCh37 (hg19) VCF-style: chr2-21229293-A-T.
Other names: short protein forms L3483M.
Identifiers: ClinVar variation 3231352 (VCV003231352.1), dbSNP rs1413570781, ClinGen allele CA345986511.

ClinVar aggregate classification (germline): Uncertain significance (1 of 4 stars; one submission).

Conditions:
Cardiovascular phenotype. Identifiers: MedGen CN230736.

Allele frequency attached by ClinVar (database versions not stated): TOPMed below 0.00001.
gnomAD v4.1: 15 of 1,614,110 alleles (0.00093%); highest among the groups gnomAD compares: Non-Finnish European, 0.0013%; no homozygotes.

Submission:

Ambry Genetics
Classification: Uncertain significance for Cardiovascular phenotype. Last evaluated: 2023-10-16. Review status: criteria provided, single submitter. Criteria: Ambry Variant Classification Scheme 2023. Collection method: clinical testing. Allele origin: germline.
Comment: The p.L3483M variant (also known as c.10447T>A), located in coding exon 26 of the APOB gene, results from a T to A substitution at nucleotide position 10447. The leucine at codon 3483 is replaced by methionine, an amino acid with highly similar properties. This amino acid position is conserved. In addition, this alteration is predicted to be tolerated by in silico analysis. Since supporting evidence is limited at this time, the clinical significance of this alteration remains unclear.